The following is an entry in ClinVar:

NM_015570.4(AUTS2):c.2062A>C (p.Ser688Arg)

Gene: AUTS2 (activator of transcription and developmental regulator AUTS2; plus strand). Cytogenetic location: 7q11.22.
Variant type: single nucleotide variant.
Coding change: c.2062A>C on transcript NM_015570.4 (MANE Select); coding-DNA position 2062, A replaced by C.
Protein change: p.Ser688Arg; replaces serine 688 with arginine.
Molecular consequence: missense variant.
Genome position (GRCh38, 1-based): chr7:70,781,672, A>C. VCF-style: chr7-70781672-A-C. GRCh37 (hg19) VCF-style: chr7-70246658-A-C.
Other names: c.1990A>C, p.Ser664Arg (NM_001127231.3); short protein forms S688R, S664R.
Identifiers: ClinVar variation 5008492 (VCV005008492.1).

ClinVar aggregate classification (germline): Uncertain significance (1 of 4 stars; one submission).

Submission:

GeneDx
Classification: Uncertain significance. Last evaluated: 2026-03-20. Review status: criteria provided, single submitter. Criteria: GeneDx Variant Classification Process June 2021. Collection method: clinical testing. Allele origin: germline.
Comment: Not observed at significant frequency in large population cohorts (gnomAD); In silico analysis supports that this missense variant has a deleterious effect on protein structure/function; Has not been previously published as pathogenic or benign to our knowledge